The following is an entry in ClinVar:

NM_012203.2(GRHPR):c.404+1G>A

Gene: GRHPR (glyoxylate and hydroxypyruvate reductase; plus strand). Cytogenetic location: 9p13.2.
Variant type: single nucleotide variant.
Coding change: c.404+1G>A on transcript NM_012203.2 (MANE Select); the canonical splice donor site of the intron after coding-DNA position 404, G replaced by A.
Molecular consequence: splice donor variant.
Genome position (GRCh38, 1-based): chr9:37,426,655, G>A. VCF-style: chr9-37426655-G-A. GRCh37 (hg19) VCF-style: chr9-37426652-G-A.
Identifiers: ClinVar variation 4854081 (VCV004854081.1).

ClinVar aggregate classification (germline): Pathogenic (1 of 4 stars; one submission).

Conditions:
Primary hyperoxaluria, type II (HP2). Also called: D-GLYCERATE DEHYDROGENASE DEFICIENCY; GLYCERIC ACIDURIA; GLYOXYLATE REDUCTASE/HYDROXYPYRUVATE REDUCTASE DEFICIENCY; OXALOSIS II; Primary hyperoxaluria type 2. Identifiers: Orphanet 416, Orphanet 93599, MedGen C0268165, MONDO:0009824, OMIM 260000. Disease mechanism: loss of function.

Submission:

3billion
Classification: Pathogenic for Primary hyperoxaluria, type II. Last evaluated: 2025-11-17. Review status: criteria provided, single submitter. Criteria: ACMG Guidelines, 2015. Collection method: clinical testing. Allele origin: germline. Affected: yes.
Comment: The variant is not observed in the gnomAD v4.1.0 dataset. Predicted Consequence/Location: Canonical splice site: predicted to alter splicing and result in a loss or disruption of normal protein function. Multiple pathogenic loss-of-function variants are reported downstream of the variant. In silico tools predict the variant to alter splicing and produce an abnormal transcript [SpliceAI: 0.94 (spliceogenicity >=0.2, non-spliceogenicity <0.1)]. Therefore, this variant is classified as Pathogenic according to the recommendation of ACMG/AMP guideline.